The following is an entry in ClinVar:

NM_005732.4(RAD50):c.3160A>T (p.Lys1054Ter)

Gene: RAD50 (RAD50 double strand break repair protein; plus strand). Cytogenetic location: 5q31.1.
Variant type: single nucleotide variant.
Coding change: c.3160A>T on transcript NM_005732.4 (MANE Select); coding-DNA position 3160, A replaced by T.
Protein change: p.Lys1054Ter; replaces lysine 1054 with a stop codon.
Molecular consequence: nonsense.
Genome position (GRCh38, 1-based): chr5:132,616,126, A>T. VCF-style: chr5-132616126-A-T. GRCh37 (hg19) VCF-style: chr5-131951818-A-T.
Other names: short protein forms K1054*.
Identifiers: ClinVar variation 1728304 (VCV001728304.2), dbSNP rs1751171253, ClinGen allele CA360963971.

ClinVar aggregate classification (germline): Pathogenic (1 of 4 stars; one submission).

Conditions:
Hereditary cancer-predisposing syndrome. Also called: Tumor predisposition; Neoplastic Syndromes, Hereditary; Hereditary Cancer Syndrome; Hereditary neoplastic syndrome. Identifiers: Orphanet 140162, MedGen C0027672, MeSH D009386, MONDO:0015356.

Submission:

Ambry Genetics
Classification: Pathogenic for Hereditary cancer-predisposing syndrome. Last evaluated: 2017-09-29. Review status: criteria provided, single submitter. Criteria: Ambry Variant Classification Scheme 2023. Collection method: clinical testing. Allele origin: germline.
Comment: The p.K1054* pathogenic mutation (also known as c.3160A>T), located in coding exon 20 of the RAD50 gene, results from an A to T substitution at nucleotide position 3160. This changes the amino acid from a lysine to a stop codon within coding exon 20. This alteration is expected to result in loss of function by premature protein truncation or nonsense-mediated mRNA decay. As such, this alteration is interpreted as a disease-causing mutation.